The following is an entry in ClinVar:

ClinVar aggregate classification (germline): Conflicting classifications of pathogenicity. Review status: criteria provided, conflicting classifications (1 of 4 stars). 4 submissions from 4 submitters: Uncertain significance (3); Likely benign (1). Last evaluated 2026-06-26.

Conditions:
Ullrich congenital muscular dystrophy 2 (UCMD2). Identifiers: Orphanet 75840, MedGen C4225314, MONDO:0014654, OMIM 616470.
Bethlem myopathy 2 (BTHLM2). Identifiers: Orphanet 536516, Orphanet 610, MedGen C4225313, MONDO:0034022, OMIM 616471.
Inborn genetic diseases. Identifiers: MedGen C0950123, MeSH D030342.

Allele frequency attached by ClinVar (database versions not stated): gnomAD exomes 0.00002 and 0.00009; TOPMed 0.00003; gnomAD 0.00004 and 0.00005; ExAC 0.00008; 1000 Genomes Project 30x 0.00047; 1000 Genomes Project 0.00060.
gnomAD v4.1: 48 of 1,614,022 alleles (0.003%); highest among the groups gnomAD compares: East Asian, 0.067%; no homozygotes.

Submissions (4):

Women's Health and Genetics/Laboratory Corporation of America, LabCorp
Classification: Uncertain significance. Last evaluated: 2026-06-26. Review status: criteria provided, single submitter. Criteria: LabCorp Variant Classification Summary - May 2015. Collection method: clinical testing. Allele origin: germline.

Labcorp Genetics (formerly Invitae), Labcorp
Classification: Likely benign for Bethlem myopathy 2; Ullrich congenital muscular dystrophy 2. Last evaluated: 2025-12-20. Review status: criteria provided, single submitter. Criteria: Invitae Variant Classification Sherloc (09022015). Collection method: clinical testing. Allele origin: germline.

Ambry Genetics
Classification: Uncertain significance for Inborn genetic diseases. Last evaluated: 2025-11-19. Review status: criteria provided, single submitter. Criteria: Ambry Variant Classification Scheme 2023. Collection method: clinical testing. Allele origin: germline.

GeneDx
Classification: Uncertain significance. Last evaluated: 2019-07-03. Review status: criteria provided, single submitter. Criteria: GeneDx Variant Classification Process June 2021. Collection method: clinical testing. Allele origin: germline. Affected: yes.
Comment: In silico analysis, which includes protein predictors and evolutionary conservation, supports that this variant does not alter protein structure/function; Has not been previously published as pathogenic or benign to our knowledge

NM_004370.6(COL12A1):c.5126T>C (p.Leu1709Ser)

Gene: COL12A1 (collagen type XII alpha 1 chain; minus strand). Cytogenetic location: 6q13.
Variant type: single nucleotide variant.
Coding change: c.5126T>C on transcript NM_004370.6 (MANE Select); coding-DNA position 5126, T replaced by C.
Protein change: p.Leu1709Ser; replaces leucine 1709 with serine.
Molecular consequence: missense variant.
Genome position (GRCh38, 1-based): chr6:75,138,552, A>G on the plus strand (T>C on the coding strand, the complement: COL12A1 is on the minus strand). VCF-style: chr6-75138552-A-G. GRCh37 (hg19) VCF-style: chr6-75848268-A-G.
Other names: c.1634T>C, p.Leu545Ser (NM_080645.3); short protein forms L1709S, L545S.
Identifiers: ClinVar variation 653580 (VCV000653580.12), dbSNP rs201810535, ClinGen allele CA3893244.